The following is an entry in ClinVar:

NM_003309.4(TSPYL1):c.500T>G (p.Val167Gly)

Genes: DSE (dermatan sulfate epimerase; plus strand), TSPYL1 (TSPY like 1; minus strand), LOC129997034 (ATAC-STARR-seq lymphoblastoid active region 24983; plus strand). Cytogenetic location: 6q22.1.
Variant type: single nucleotide variant.
Coding change: c.500T>G on transcript NM_003309.4 (MANE Select); coding-DNA position 500, T replaced by G.
Protein change: p.Val167Gly; replaces valine 167 with glycine.
Molecular consequence: missense variant. On other transcripts: intron variant (6).
Genome position (GRCh38, 1-based): chr6:116,279,331, A>C on the plus strand (T>G on the coding strand, the complement: TSPYL1 is on the minus strand). VCF-style: chr6-116279331-A-C. GRCh37 (hg19) VCF-style: chr6-116600494-A-C.
Other names: c.-954+20364A>C (NM_001374520.1); c.-54+20364A>C (NM_001322937.2, NM_001322938.2, NM_001374522.1); c.-641+20364A>C (NM_001374521.1); c.-611+20364A>C (NM_001322940.2); short protein forms V167G.
Identifiers: ClinVar variation 5002871 (VCV005002871.1).

ClinVar aggregate classification (germline): Uncertain significance (1 of 4 stars; one submission).

Conditions:
Sudden infant death-dysgenesis of the testes syndrome. Identifiers: Orphanet 168593, MedGen C1837371, MONDO:0012124, OMIM 608800.

Submission:

OLLIN Analises Genomicas, OLLIN
Classification: Uncertain significance for Sudden infant death-dysgenesis of the testes syndrome. Last evaluated: 2026-08-06. Review status: criteria provided, single submitter. Criteria: ACMG Guidelines 2015 PMID 25741868. Collection method: clinical testing. Allele origin: germline.
Comment: This missense variant, located in exon 1 (of 1), is absent from gnomAD and ClinVar and has not been identified in the literature. In silico analysis predicts that this variant has a tolerated effect. According to the currently available evidence, this variant has been classified as uncertain significance (PM2_P, BP4_M).